The following is an entry in ClinVar:

NM_018474.6(KIZ):c.2006A>G (p.Asp669Gly)

Gene: KIZ (kizuna centrosomal protein; plus strand). Cytogenetic location: 20p11.23.
Variant type: single nucleotide variant.
Coding change: c.2006A>G on transcript NM_018474.6 (MANE Select); coding-DNA position 2006, A replaced by G.
Protein change: p.Asp669Gly; replaces aspartic acid 669 with glycine.
Molecular consequence: missense variant.
Genome position (GRCh38, 1-based): chr20:21,246,560, A>G. VCF-style: chr20-21246560-A-G. GRCh37 (hg19) VCF-style: chr20-21227198-A-G.
Other names: c.1697A>G, p.Asp566Gly (NM_001163022.3); c.1607A>G, p.Asp536Gly (NM_001163023.3); c.1859A>G, p.Asp620Gly (NM_001276389.2); c.1952A>G, p.Asp651Gly (NM_001352434.2); c.1643A>G, p.Asp548Gly (NM_001352435.2); c.1664A>G, p.Asp555Gly (NM_001352436.2); short protein forms D536G, D548G, D555G, D566G, D620G, D651G, D669G.
Identifiers: ClinVar variation 1005397 (VCV001005397.6), dbSNP rs1051977392, ClinGen allele CA312988862.

ClinVar aggregate classification (germline): Uncertain significance (1 of 4 stars; one submission).

Allele frequency attached by ClinVar (database versions not stated): gnomAD exomes below 0.00001 and 0.00001; TOPMed 0.00001.

Submission:

Labcorp Genetics (formerly Invitae), Labcorp
Classification: Uncertain significance. Last evaluated: 2025-03-17. Review status: criteria provided, single submitter. Criteria: Invitae Variant Classification Sherloc (09022015). Collection method: clinical testing. Allele origin: germline.
Comment: This sequence change replaces aspartic acid, which is acidic and polar, with glycine, which is neutral and non-polar, at codon 669 of the KIZ protein (p.Asp669Gly). This variant is present in population databases (no rsID available, gnomAD 0.0009%). This variant has not been reported in the literature in individuals affected with KIZ-related conditions. ClinVar contains an entry for this variant (Variation ID: 1005397). Experimental studies and prediction algorithms are not available or were not evaluated, and the functional significance of this variant is currently unknown. Algorithms developed to predict the effect of sequence changes on RNA splicing suggest that this variant may create or strengthen a splice site. In summary, the available evidence is currently insufficient to determine the role of this variant in disease. Therefore, it has been classified as a Variant of Uncertain Significance.